The following is an entry in ClinVar:

NM_001103.4(ACTN2):c.1156G>A (p.Glu386Lys)

Gene: ACTN2 (actinin alpha 2; plus strand). Cytogenetic location: 1q43.
Variant type: single nucleotide variant.
Coding change: c.1156G>A on transcript NM_001103.4 (MANE Select); coding-DNA position 1156, G replaced by A.
Protein change: p.Glu386Lys; replaces glutamic acid 386 with lysine.
Molecular consequence: missense variant.
Genome position (GRCh38, 1-based): chr1:236,742,944, G>A. VCF-style: chr1-236742944-G-A. GRCh37 (hg19) VCF-style: chr1-236906244-G-A.
Other names: c.1156G>A, p.Glu386Lys (NM_001278343.2); c.532G>A, p.Glu178Lys (NM_001278344.2); c.406G>A, p.Glu136Lys (NM_001412150.1); short protein forms E178K, E386K, E136K.
Identifiers: ClinVar variation 1735452 (VCV001735452.4), dbSNP rs767763639, ClinGen allele CA1473068.

ClinVar aggregate classification (germline): Uncertain significance. Review status: criteria provided, multiple submitters, no conflicts (2 of 4 stars). 2 submissions from 2 submitters: Uncertain significance (2). Last evaluated 2024-02-29.

Conditions:
Cardiovascular phenotype. Identifiers: MedGen CN230736.
Dilated cardiomyopathy 1AA (CMD1AA). Also called: Cardiomyopathy, dilated, 1AA, with or without LVNC; CARDIOMYOPATHY, DILATED, 1AA, WITH OR WITHOUT LEFT VENTRICULAR NONCOMPACTION; CARDIOMYOPATHY, FAMILIAL HYPERTROPHIC, 23, WITH OR WITHOUT LEFT VENTRICULAR NONCOMPACTION. Identifiers: Orphanet 154, MedGen C2677338, MONDO:0012808, OMIM 612158.
Primary familial hypertrophic cardiomyopathy (HCM). Identifiers: Orphanet 99739, MedGen C0949658, MeSH D024741, MONDO:0024573. Inheritance: Various modes of inheritance.

Allele frequency attached by ClinVar (database versions not stated): gnomAD 0.00001; gnomAD exomes 0.00001; TOPMed 0.00001; ExAC 0.00002.
gnomAD v4.1: 16 of 1,614,052 alleles (0.00099%); highest among the groups gnomAD compares: Middle Eastern, 0.016%; no homozygotes.

Submissions (2):

Labcorp Genetics (formerly Invitae), Labcorp
Classification: Uncertain significance for Primary familial hypertrophic cardiomyopathy; Dilated cardiomyopathy 1AA. Last evaluated: 2024-02-29. Review status: criteria provided, single submitter. Criteria: Invitae Variant Classification Sherloc (09022015). Collection method: clinical testing. Allele origin: germline.
Comment: This sequence change replaces glutamic acid, which is acidic and polar, with lysine, which is basic and polar, at codon 386 of the ACTN2 protein (p.Glu386Lys). This variant is present in population databases (rs767763639, gnomAD 0.005%). This variant has not been reported in the literature in individuals affected with ACTN2-related conditions. ClinVar contains an entry for this variant (Variation ID: 1735452). Advanced modeling of protein sequence and biophysical properties (such as structural, functional, and spatial information, amino acid conservation, physicochemical variation, residue mobility, and thermodynamic stability) performed at Invitae indicates that this missense variant is expected to disrupt ACTN2 protein function with a positive predictive value of 80%. In summary, the available evidence is currently insufficient to determine the role of this variant in disease. Therefore, it has been classified as a Variant of Uncertain Significance.

Ambry Genetics
Classification: Uncertain significance for Cardiovascular phenotype. Last evaluated: 2022-02-07. Review status: criteria provided, single submitter. Criteria: Ambry Variant Classification Scheme 2023. Collection method: clinical testing. Allele origin: germline.
Comment: The p.E386K variant (also known as c.1156G>A), located in coding exon 11 of the ACTN2 gene, results from a G to A substitution at nucleotide position 1156. The glutamic acid at codon 386 is replaced by lysine, an amino acid with similar properties. This amino acid position is conserved. In addition, this alteration is predicted to be deleterious by in silico analysis. Since supporting evidence is limited at this time, the clinical significance of this alteration remains unclear.